The following is an entry in ClinVar:

ClinVar aggregate classification (germline): Pathogenic (1 of 4 stars; one submission).

Conditions:
Werner syndrome (WRN). Identifiers: Orphanet 902, MedGen C0043119, MONDO:0010196, OMIM 277700.

Submission:

Labcorp Genetics (formerly Invitae), Labcorp
Classification: Pathogenic for Werner syndrome. Last evaluated: 2022-03-04. Review status: criteria provided, single submitter. Criteria: Invitae Variant Classification Sherloc (09022015). Collection method: clinical testing. Allele origin: germline.
Comment: Algorithms developed to predict the effect of sequence changes on RNA splicing suggest that this variant may disrupt the consensus splice site. For these reasons, this variant has been classified as Pathogenic. This sequence change creates a premature translational stop signal (p.Glu160Aspfs*6) in the WRN gene. It is expected to result in an absent or disrupted protein product. Loss-of-function variants in WRN are known to be pathogenic (PMID: 16673358). This variant is not present in population databases (gnomAD no frequency). This variant has not been reported in the literature in individuals affected with WRN-related conditions.

Literature cited by the submitters: PubMed 16673358.

NM_000553.6(WRN):c.480_484del (p.Glu160fs)

Gene: WRN (WRN RecQ like helicase; plus strand). Cytogenetic location: 8p12.
Variant type: Deletion.
Coding change: c.480_484del on transcript NM_000553.6 (MANE Select); coding-DNA positions 480 to 484, 5 bases deleted (GTTGA; older notation c.480_484delGTTGA).
Protein change: p.Glu160fs; shifts the reading frame from glutamic acid 160.
Molecular consequence: frameshift variant.
Genome position (GRCh38, 1-based): chr8:31,065,039-31,065,043, GTTGA deleted; deleting any 5 consecutive bases within chr8:31,065,037-31,065,043 gives the same sequence; the c. name uses the placement nearest the transcript's 3' end. VCF-style (leftmost placement, unchanged base first): chr8-31065036-GGAGTT-G. GRCh37 (hg19) VCF-style: chr8-30922552-GGAGTT-G.
Other names: short protein forms E160fs.
Identifiers: ClinVar variation 1369476 (VCV001369476.6), dbSNP rs2130037261, ClinGen allele CA2573142707.